The following is an entry in ClinVar:

NM_000057.4(BLM):c.2947G>T (p.Asp983Tyr)

Gene: BLM (BLM RecQ like helicase; plus strand). Cytogenetic location: 15q26.1.
Variant type: single nucleotide variant.
Coding change: c.2947G>T on transcript NM_000057.4 (MANE Select); coding-DNA position 2947, G replaced by T.
Protein change: p.Asp983Tyr; replaces aspartic acid 983 with tyrosine.
Molecular consequence: missense variant.
Genome position (GRCh38, 1-based): chr15:90,790,772, G>T. VCF-style: chr15-90790772-G-T. GRCh37 (hg19) VCF-style: chr15-91334002-G-T.
Other names: c.2947G>T, p.Asp983Tyr (NM_001287246.2, NM_001287247.2); c.1822G>T, p.Asp608Tyr (NM_001287248.2); c.2947G>T (NM_000057.2); short protein forms D983Y, D608Y.
Identifiers: ClinVar variation 947496 (VCV000947496.11), dbSNP rs1896886181, ClinGen allele CA393846474.

ClinVar aggregate classification (germline): Uncertain significance. Review status: criteria provided, multiple submitters, no conflicts (2 of 4 stars). 2 submissions from 2 submitters: Uncertain significance (2). Last evaluated 2024-05-12.

Conditions:
Hereditary cancer-predisposing syndrome. Also called: Hereditary neoplastic syndrome; Neoplastic Syndromes, Hereditary; Tumor predisposition; Hereditary Cancer Syndrome. Identifiers: Orphanet 140162, MedGen C0027672, MeSH D009386, MONDO:0015356.
Bloom syndrome (BLM). Also called: Bloom-Torre-Machacek syndrome. Identifiers: Orphanet 125, MedGen C0005859, MONDO:0008876, OMIM 210900.

Submissions (2):

Ambry Genetics
Classification: Uncertain significance for Hereditary cancer-predisposing syndrome. Last evaluated: 2024-05-12. Review status: criteria provided, single submitter. Criteria: Ambry Variant Classification Scheme 2023. Collection method: clinical testing. Allele origin: germline.
Comment: The p.D983Y variant (also known as c.2947G>T), located in coding exon 14 of the BLM gene, results from a G to T substitution at nucleotide position 2947. The aspartic acid at codon 983 is replaced by tyrosine, an amino acid with highly dissimilar properties. This amino acid position is conserved. In addition, this alteration is predicted to be deleterious by in silico analysis. Based on the available evidence, the clinical significance of this variant remains unclear.

Labcorp Genetics (formerly Invitae), Labcorp
Classification: Uncertain significance for Bloom syndrome. Last evaluated: 2019-05-03. Review status: criteria provided, single submitter. Criteria: Invitae Variant Classification Sherloc (09022015). Collection method: clinical testing. Allele origin: germline.
Comment: This sequence change replaces aspartic acid with tyrosine at codon 983 of the BLM protein (p.Asp983Tyr). The aspartic acid residue is highly conserved and there is a large physicochemical difference between aspartic acid and tyrosine. This variant is not present in population databases (ExAC no frequency). This variant has not been reported in the literature in individuals with BLM-related conditions. Algorithms developed to predict the effect of missense changes on protein structure and function are either unavailable or do not agree on the potential impact of this missense change (SIFT: "Deleterious"; PolyPhen-2: "Probably Damaging"; Align-GVGD: "Class C15"). In summary, the available evidence is currently insufficient to determine the role of this variant in disease. Therefore, it has been classified as a Variant of Uncertain Significance.